The following is an entry in ClinVar:

ClinVar aggregate classification (germline): Uncertain significance. Review status: criteria provided, multiple submitters, no conflicts (2 of 4 stars). 2 submissions from 2 submitters: Uncertain significance (2). Last evaluated 2025-11-11.

Conditions:
TMEM67-related disorder. Also called: TMEM67-related condition; TMEM67-related disorders. Identifiers: MedGen CN239423.
Joubert syndrome. Also called: Familial aplasia of the vermis; JOUBERT-BOLTSHAUSER SYNDROME. Identifiers: Orphanet 475, MedGen C5979921, MONDO:0018772.
Meckel-Gruber syndrome. Also called: Dysencephalia splachnocystica; DYSENCEPHALIA SPLANCHNOCYSTICA; GRUBER SYNDROME. Identifiers: Orphanet 564, MedGen C0265215, MONDO:0018921.

Allele frequency attached by ClinVar (database versions not stated): gnomAD exomes below 0.00001.

Submissions (2):

PreventionGenetics, part of Exact Sciences
Classification: Uncertain significance for TMEM67-related condition. Last evaluated: 2025-11-11. Review status: criteria provided, single submitter. Criteria: ACMG Guidelines, 2015. Collection method: clinical testing. Allele origin: germline.
Comment: The TMEM67 c.2341T>C variant is predicted to result in the amino acid substitution p.Ser781Pro. To our knowledge, this variant has not been reported in the literature or in a large population database (gnomAD), indicating this variant is rare. At this time, the clinical significance of this variant is uncertain due to the absence of conclusive functional and genetic evidence.

Labcorp Genetics (formerly Invitae), Labcorp
Classification: Uncertain significance for Joubert syndrome; Meckel-Gruber syndrome. Last evaluated: 2022-10-05. Review status: criteria provided, single submitter. Criteria: Invitae Variant Classification Sherloc (09022015). Collection method: clinical testing. Allele origin: germline.
Comment: This sequence change replaces serine, which is neutral and polar, with proline, which is neutral and non-polar, at codon 781 of the TMEM67 protein (p.Ser781Pro). This variant is not present in population databases (gnomAD no frequency). This variant has not been reported in the literature in individuals affected with TMEM67-related conditions. Advanced modeling of protein sequence and biophysical properties (such as structural, functional, and spatial information, amino acid conservation, physicochemical variation, residue mobility, and thermodynamic stability) performed at Invitae indicates that this missense variant is expected to disrupt TMEM67 protein function. In summary, the available evidence is currently insufficient to determine the role of this variant in disease. Therefore, it has been classified as a Variant of Uncertain Significance.

NM_153704.6(TMEM67):c.2341T>C (p.Ser781Pro)

Gene: TMEM67 (transmembrane protein 67; plus strand). Cytogenetic location: 8q22.1.
Variant type: single nucleotide variant.
Coding change: c.2341T>C on transcript NM_153704.6 (MANE Select); coding-DNA position 2341, T replaced by C.
Protein change: p.Ser781Pro; replaces serine 781 with proline.
Molecular consequence: missense variant. On other transcripts: non-coding transcript variant (1).
Genome position (GRCh38, 1-based): chr8:93,804,780, T>C. VCF-style: chr8-93804780-T-C. GRCh37 (hg19) VCF-style: chr8-94817008-T-C.
Other names: c.2098T>C, p.Ser700Pro (NM_001142301.1); short protein forms S700P, S781P.
Identifiers: ClinVar variation 2063461 (VCV002063461.2), dbSNP rs2536929427, ClinGen allele CA371697959.